The following is an entry in ClinVar:

ClinVar aggregate classification (germline): Benign/Likely benign. Review status: criteria provided, multiple submitters, no conflicts (2 of 4 stars). 6 submissions from 6 submitters: Benign (1); Likely benign (5). Last evaluated 2026-09-01.

Conditions:
Cardiovascular phenotype. Identifiers: MedGen CN230736.
Arrhythmogenic right ventricular dysplasia 5. Also called: Arrhythmogenic Right Ventricular Dysplasia/Cardiomyopathy 5; ARRHYTHMOGENIC RIGHT VENTRICULAR DYSPLASIA, FAMILIAL, 5. Identifiers: MedGen C1858379, MONDO:0011459, OMIM 604400.
Cardiomyopathy (CMYO). Also called: Cardiomyopathies. Identifiers: Orphanet 167848, MedGen C0878544, MONDO:0004994, HP:0001638. Inheritance: Various modes of inheritance.

Allele frequency attached by ClinVar (database versions not stated): gnomAD 0.00004 and 0.00009; gnomAD exomes 0.00004 and 0.00013; TOPMed 0.00005; ExAC 0.00014; 1000 Genomes Project 30x 0.00031; 1000 Genomes Project 0.00040.
gnomAD v4.1: 76 of 1,614,118 alleles (0.0047%); highest among the groups gnomAD compares: East Asian, 0.062%; no homozygotes.

Submissions (6):

CeGaT Center for Human Genetics Tuebingen
Classification: Likely benign. Last evaluated: 2026-09-01. Review status: criteria provided, single submitter. Criteria: CeGaT Center For Human Genetics Tuebingen Variant Classification Criteria Version 2. Collection method: clinical testing. Allele origin: germline. Affected: yes. Observed: 1 variant allele.
Comment: TMEM43: BP4, BP7

Labcorp Genetics (formerly Invitae), Labcorp
Classification: Benign for Arrhythmogenic right ventricular dysplasia 5. Last evaluated: 2026-01-18. Review status: criteria provided, single submitter. Criteria: Invitae Variant Classification Sherloc (09022015). Collection method: clinical testing. Allele origin: germline.

Blueprint Genetics
Classification: Likely benign. Last evaluated: 2024-08-26. Review status: criteria provided, single submitter. Criteria: ACMG Guidelines, 2015. Collection method: clinical testing. Allele origin: germline.

All of Us Research Program, National Institutes of Health
Classification: Likely benign for Arrhythmogenic right ventricular dysplasia 5. Last evaluated: 2024-01-11. Review status: criteria provided, single submitter. Criteria: ACMG Guidelines, 2015. Collection method: clinical testing. Allele origin: germline. Inheritance: Autosomal dominant inheritance. Observed: 13 variant alleles, 13 heterozygotes.
Comment: This study involves interpretation of variants in research participants for the purpose of population health screening. Participant phenotype was not available at the time of variant classification. Additional details can be found in publication PMID: 35346344, PMCID: PMC8962531

Ambry Genetics
Classification: Likely benign for Cardiovascular phenotype. Last evaluated: 2023-01-16. Review status: criteria provided, single submitter. Criteria: Ambry Variant Classification Scheme 2023. Collection method: clinical testing. Allele origin: germline.

Color Diagnostics, LLC DBA Color Health
Classification: Likely benign for Cardiomyopathy. Last evaluated: 2018-07-22. Review status: criteria provided, single submitter. Criteria: ACMG Guidelines, 2015. Collection method: clinical testing. Allele origin: germline.

NM_024334.3(TMEM43):c.579G>A (p.Ser193=)

Gene: TMEM43 (transmembrane protein 43; plus strand). Cytogenetic location: 3p25.1.
Variant type: single nucleotide variant.
Coding change: c.579G>A on transcript NM_024334.3 (MANE Select); coding-DNA position 579, G replaced by A.
Protein change: p.Ser193=; no amino-acid change (serine 193 retained).
Molecular consequence: synonymous variant.
Genome position (GRCh38, 1-based): chr3:14,133,805, G>A. VCF-style: chr3-14133805-G-A. GRCh37 (hg19) VCF-style: chr3-14175305-G-A.
Identifiers: ClinVar variation 414172 (VCV000414172.18), dbSNP rs369319499, ClinGen allele CA054457.
Genomic context (GRCh38, chr3:14,133,805, plus strand): 5'-GGCAGTGGAGTCATTCATGGCAACAGCCCCCTTTGTCCAAATTGGCAGGTTTTTCCTCTC[G>A]TCAGGTAAGTCTCAGGCCTCTCCAGAGGAGCTCGTGCCAGAAGCACAAGGCCCCCCTAGG-3'
Protein context (NP_077310.1, residues 183-203): PFVQIGRFFL[Ser193=]SGLIDKVDNF